The following is an entry in ClinVar:

ClinVar aggregate classification (germline): Uncertain significance. Review status: criteria provided, multiple submitters, no conflicts (2 of 4 stars). 2 submissions from 2 submitters: Uncertain significance (2). Last evaluated 2024-05-30.

Conditions:
Cobalamin C disease. Also called: Methylmalonic aciduria and homocystinuria, Vitamin B12-responsive; Vitamin B12 metabolic defect with combined deficiency of methylmalonyl-CoA mutase and homocysteine:methyltetrahydrofolate methyltransferase; Cobalamin-C methylmalonic acidemia and homocystinuria; Methylmalonic acidemia and homocystinuria cblC type; Methylmalonic aciduria with homocystinuria cblC type; methylmalonic aciduria and homocystinuria type cblC. Identifiers: Orphanet 26, Orphanet 79282, MedGen C1848561, MONDO:0010184, OMIM 277400.

gnomAD v4.1: 5 of 1,613,834 alleles (0.00031%); highest among the groups gnomAD compares: Admixed American, 0.005%; no homozygotes.

Submissions (2):

Fulgent Genetics
Classification: Uncertain significance for Cobalamin C disease. Last evaluated: 2024-05-30. Review status: criteria provided, single submitter. Criteria: ACMG Guidelines, 2015. Collection method: clinical testing. Allele origin: germline.

Labcorp Genetics (formerly Invitae), Labcorp
Classification: Uncertain significance for Cobalamin C disease. Last evaluated: 2021-08-20. Review status: criteria provided, single submitter. Criteria: Invitae Variant Classification Sherloc (09022015). Collection method: clinical testing. Allele origin: germline.
Comment: This sequence change replaces arginine with glycine at codon 267 of the MMACHC protein (p.Arg267Gly). The arginine residue is moderately conserved and there is a moderate physicochemical difference between arginine and glycine. This variant is not present in population databases (ExAC no frequency). This variant has not been reported in the literature in individuals affected with MMACHC-related conditions. Advanced modeling of protein sequence and biophysical properties (such as structural, functional, and spatial information, amino acid conservation, physicochemical variation, residue mobility, and thermodynamic stability) performed at Invitae indicates that this missense variant is not expected to disrupt MMACHC protein function. In summary, the available evidence is currently insufficient to determine the role of this variant in disease. Therefore, it has been classified as a Variant of Uncertain Significance.

NM_015506.3(MMACHC):c.799C>G (p.Arg267Gly)

Gene: MMACHC (metabolism of cobalamin associated C; plus strand). Cytogenetic location: 1p34.1.
Variant type: single nucleotide variant.
Coding change: c.799C>G on transcript NM_015506.3 (MANE Select); coding-DNA position 799, C replaced by G.
Protein change: p.Arg267Gly; replaces arginine 267 with glycine.
Molecular consequence: missense variant.
Genome position (GRCh38, 1-based): chr1:45,509,165, C>G. VCF-style: chr1-45509165-C-G. GRCh37 (hg19) VCF-style: chr1-45974837-C-G.
Other names: c.628C>G, p.Arg210Gly (NM_001330540.2); short protein forms R267G, R210G.
Identifiers: ClinVar variation 1407467 (VCV001407467.7), dbSNP rs34258482, ClinGen allele CA340134439.